The following is an entry in ClinVar:

ClinVar aggregate classification (germline): Conflicting classifications of pathogenicity. Review status: criteria provided, conflicting classifications (1 of 4 stars). 6 submissions from 6 submitters: Uncertain significance (3); Likely benign (1). 2 of the submissions do not count toward it. Last evaluated 2025-06-10.

Allele frequency attached by ClinVar (database versions not stated): gnomAD exomes 0.00020 and 0.00021; ExAC 0.00031; TOPMed 0.00010; gnomAD 0.00011 and 0.00012; ESP Exome Variant Server 0.00015.

Submissions (6):

GeneDx
Classification: Uncertain significance. Last evaluated: 2025-06-10. Review status: criteria provided, single submitter. Criteria: GeneDx Variant Classification Process June 2021. Collection method: clinical testing. Allele origin: germline. Affected: yes.
Comment: In silico analysis supports that this missense variant has a deleterious effect on protein structure/function; Has not been previously published as pathogenic or benign to our knowledge

Labcorp Genetics (formerly Invitae), Labcorp
Classification: Uncertain significance. Last evaluated: 2024-06-03. Review status: criteria provided, single submitter. Criteria: Invitae Variant Classification Sherloc (09022015). Collection method: clinical testing. Allele origin: germline.
Comment: This sequence change replaces methionine, which is neutral and non-polar, with valine, which is neutral and non-polar, at codon 136 of the SPTBN2 protein (p.Met136Val). This variant is present in population databases (rs150610657, gnomAD 0.04%). This variant has not been reported in the literature in individuals affected with SPTBN2-related conditions. ClinVar contains an entry for this variant (Variation ID: 305598). Advanced modeling of protein sequence and biophysical properties (such as structural, functional, and spatial information, amino acid conservation, physicochemical variation, residue mobility, and thermodynamic stability) performed at Invitae indicates that this missense variant is not expected to disrupt SPTBN2 protein function with a negative predictive value of 80%. In summary, the available evidence is currently insufficient to determine the role of this variant in disease. Therefore, it has been classified as a Variant of Uncertain Significance.

Blueprint Genetics
Classification: Uncertain significance. Last evaluated: 2023-04-13. Review status: criteria provided, single submitter. Criteria: ACMG Guidelines, 2015. Collection method: clinical testing. Allele origin: germline.

Athena Diagnostics
Classification: Likely benign. Last evaluated: 2019-12-21. Review status: criteria provided, single submitter. Criteria: Athena Diagnostics Criteria. Collection method: clinical testing. Allele origin: unknown.

Clinical Genetics DNA and cytogenetics Diagnostics Lab, Erasmus MC, Erasmus Medical Center
Classification: Uncertain significance. Review status: no assertion criteria provided. Collection method: clinical testing. Allele origin: germline. Affected: yes. Study: VKGL Data-share Consensus. Not counted in ClinVar's aggregate classification.

Diagnostic Laboratory, Department of Genetics, University Medical Center Groningen
Classification: Uncertain significance. Review status: no assertion criteria provided. Collection method: clinical testing. Allele origin: germline. Affected: yes. Study: VKGL Data-share Consensus. Not counted in ClinVar's aggregate classification.

NM_006946.4(SPTBN2):c.406A>G (p.Met136Val)

Gene: SPTBN2 (spectrin beta, non-erythrocytic 2; minus strand). Cytogenetic location: 11q13.2.
Variant type: single nucleotide variant.
Coding change: c.406A>G on transcript NM_006946.4 (MANE Select); coding-DNA position 406, A replaced by G.
Protein change: p.Met136Val; replaces methionine 136 with valine.
Molecular consequence: missense variant.
Genome position (GRCh38, 1-based): chr11:66,715,299, T>C on the plus strand (A>G on the coding strand, the complement: SPTBN2 is on the minus strand). VCF-style: chr11-66715299-T-C. GRCh37 (hg19) VCF-style: chr11-66482770-T-C.
Other names: short protein forms M136V.
Identifiers: ClinVar variation 305598 (VCV000305598.17), dbSNP rs150610657, ClinGen allele CA6129677.